The following is an entry in ClinVar:

NM_001372051.1(CASP8):c.293T>G (p.Ile98Ser)

Gene: CASP8 (caspase 8; plus strand). Cytogenetic location: 2q33.1.
Variant type: single nucleotide variant.
Coding change: c.293T>G on transcript NM_001372051.1 (MANE Select); coding-DNA position 293, T replaced by G.
Protein change: p.Ile98Ser; replaces isoleucine 98 with serine.
Molecular consequence: missense variant. On other transcripts: 5 prime UTR variant (9), non-coding transcript variant (22), intron variant (3).
Genome position (GRCh38, 1-based): chr2:201,266,779, T>G. VCF-style: chr2-201266779-T-G. GRCh37 (hg19) VCF-style: chr2-202131502-T-G.
Other names: c.293T>G, p.Ile98Ser (NM_001080124.2, NM_001228.5, NM_001400645.1 and 21 more transcripts); c.470T>G, p.Ile157Ser (NM_001080125.2, NM_001400642.1, NM_001400665.1); c.-240T>G (NM_001400671.1, NM_001400673.1, NM_001400676.1 and 4 more transcripts); c.-421T>G (NM_001400674.1); c.-319T>G (NM_001400680.1); c.-4-4737T>G (NM_001400669.1); c.-227-4737T>G (NM_001400672.1, NM_001400675.1); short protein forms I157S, I98S.
Identifiers: ClinVar variation 1718185 (VCV001718185.6), dbSNP rs2469939093, ClinGen allele CA350283266.

ClinVar aggregate classification (germline): Uncertain significance (1 of 4 stars; one submission).

Conditions:
Autoimmune lymphoproliferative syndrome type 2B. Also called: AUTOIMMUNE LYMPHOPROLIFERATIVE SYNDROME, TYPE IIB. Identifiers: Orphanet 275517, MedGen C1846545, MONDO:0011804, OMIM 607271.

Submission:

Labcorp Genetics (formerly Invitae), Labcorp
Classification: Uncertain significance for Autoimmune lymphoproliferative syndrome type 2B. Last evaluated: 2022-10-17. Review status: criteria provided, single submitter. Criteria: Invitae Variant Classification Sherloc (09022015). Collection method: clinical testing. Allele origin: germline.
Comment: This sequence change replaces isoleucine, which is neutral and non-polar, with serine, which is neutral and polar, at codon 98 of the CASP8 protein (p.Ile98Ser). In summary, the available evidence is currently insufficient to determine the role of this variant in disease. Therefore, it has been classified as a Variant of Uncertain Significance. Algorithms developed to predict the effect of missense changes on protein structure and function are either unavailable or do not agree on the potential impact of this missense change (SIFT: "Deleterious"; PolyPhen-2: "Possibly Damaging"; Align-GVGD: "Class C0"). This variant has not been reported in the literature in individuals affected with CASP8-related conditions. This variant is not present in population databases (gnomAD no frequency).